The following is an entry in ClinVar:

ClinVar aggregate classification (germline): Pathogenic (0 of 4 stars; one submission).

Conditions:
Carcinoma of colon (CRC). Also called: Colonic carcinoma; Colon carcinoma. Identifiers: MedGen C0699790, MONDO:0002032.

Submission:

Department of Pathology and Laboratory Medicine, Sinai Health System
Classification: Pathogenic for Carcinoma of colon. Review status: no assertion criteria provided. Collection method: clinical testing. Allele origin: unknown. Affected: yes. Study: The Canadian Open Genetics Repository (COGR).
Comment: The precise breakpoints of this genomic alteration were not determined. However, the c.1-?_3646+?del deletion is predicted to result in deletion of exons 01-07 and to a truncated or absent protein and loss of function. Loss of function variants of the MSH6 gene are an established mechanism of disease for Lynch syndrome. In summary, based on the above information, this variant meets our laboratoryâ€šÃ„Ã´s criteria to be classified as pathogenic.

NM_000179.3(MSH6):c.-2_260+3387del

Genes: MSH6 (mutS homolog 6; plus strand), LOC129933707 (ATAC-STARR-seq lymphoblastoid silent region 11468; plus strand), LOC129933708 (ATAC-STARR-seq lymphoblastoid silent region 11469; plus strand). Cytogenetic location: 2p16.3.
Variant type: Deletion.
Coding change: c.-2_260+3387del on transcript NM_000179.3 (MANE Select); 2 bases upstream of the start codon through 3387 bases into the intron after coding-DNA position 260, 3,649 bases deleted.
Molecular consequence: splice donor variant, initiator codon variant.
Genome position (GRCh38, 1-based): chr2:47,783,232-47,786,880, 3,649 bases deleted. GRCh37 (hg19): chr2:48,010,371-48,014,019.
Other names: c.-738_-477+3387del (NM_001281493.2); c.-2_237+3410del (NM_001281492.2).
Identifiers: ClinVar variation 1050353 (VCV001050353.2), ClinGen allele CA2499216077.